The following is an entry in ClinVar:

NM_002692.4(POLE2):c.932A>G (p.Tyr311Cys)

Gene: POLE2 (DNA polymerase epsilon 2, accessory subunit; minus strand). Cytogenetic location: 14q21.3.
Variant type: single nucleotide variant.
Coding change: c.932A>G on transcript NM_002692.4 (MANE Select); coding-DNA position 932, A replaced by G.
Protein change: p.Tyr311Cys; replaces tyrosine 311 with cysteine.
Molecular consequence: missense variant.
Genome position (GRCh38, 1-based): chr14:49,655,091, T>C on the plus strand (A>G on the coding strand, the complement: POLE2 is on the minus strand). VCF-style: chr14-49655091-T-C. GRCh37 (hg19) VCF-style: chr14-50121809-T-C.
Other names: c.854A>G, p.Tyr285Cys (NM_001197330.2); c.932A>G, p.Tyr311Cys (NM_001197331.3, NM_001348384.2); c.701A>G, p.Tyr234Cys (NM_001348385.2); short protein forms Y234C, Y285C, Y311C.
Identifiers: ClinVar variation 3619750 (VCV003619750.2).

ClinVar aggregate classification (germline): Uncertain significance (1 of 4 stars; one submission).

gnomAD v4.1: 5 of 1,492,702 alleles (0.00033%); highest among the groups gnomAD compares: East Asian, 0.012%; no homozygotes.

Submission:

Labcorp Genetics (formerly Invitae), Labcorp
Classification: Uncertain significance. Last evaluated: 2024-11-19. Review status: criteria provided, single submitter. Criteria: Invitae Variant Classification Sherloc (09022015). Collection method: clinical testing. Allele origin: germline.
Comment: This sequence change replaces tyrosine, which is neutral and polar, with cysteine, which is neutral and slightly polar, at codon 311 of the POLE2 protein (p.Tyr311Cys). This variant is present in population databases (rs778117440, gnomAD 0.01%). This variant has not been reported in the literature in individuals affected with POLE2-related conditions. An algorithm developed to predict the effect of missense changes on protein structure and function (PolyPhen-2) suggests that this variant is likely to be disruptive. In summary, the available evidence is currently insufficient to determine the role of this variant in disease. Therefore, it has been classified as a Variant of Uncertain Significance.